The following is an entry in ClinVar:

NM_000143.4(FH):c.1291A>G (p.Thr431Ala)

Gene: FH (fumarate hydratase; minus strand). Cytogenetic location: 1q43.
Variant type: single nucleotide variant.
Coding change: c.1291A>G on transcript NM_000143.4 (MANE Select); coding-DNA position 1291, A replaced by G.
Protein change: p.Thr431Ala; replaces threonine 431 with alanine.
Molecular consequence: missense variant.
Genome position (GRCh38, 1-based): chr1:241,500,536, T>C on the plus strand (A>G on the coding strand, the complement: FH is on the minus strand). VCF-style: chr1-241500536-T-C. GRCh37 (hg19) VCF-style: chr1-241663836-T-C.
Other names: short protein forms T431A.
Identifiers: ClinVar variation 963162 (VCV000963162.11), dbSNP rs1315943292, ClinGen allele CA345436739.

ClinVar aggregate classification (germline): Uncertain significance. Review status: criteria provided, multiple submitters, no conflicts (2 of 4 stars). 3 submissions from 3 submitters: Uncertain significance (3). Last evaluated 2024-09-20.

Conditions:
Hereditary cancer-predisposing syndrome. Also called: Tumor predisposition; Hereditary neoplastic syndrome; Hereditary Cancer Syndrome; Neoplastic Syndromes, Hereditary. Identifiers: Orphanet 140162, MedGen C0027672, MeSH D009386, MONDO:0015356.

Allele frequency attached by ClinVar (database versions not stated): TOPMed below 0.00001; gnomAD 0.00001.
gnomAD v4.1: 2 of 1,613,128 alleles (0.00012%); highest among the groups gnomAD compares: African/African-American, 0.0013%; no homozygotes.

Submissions (3):

Ambry Genetics
Classification: Uncertain significance for Hereditary cancer-predisposing syndrome. Last evaluated: 2024-09-20. Review status: criteria provided, single submitter. Criteria: Ambry Variant Classification Scheme 2023. Collection method: clinical testing. Allele origin: germline.
Comment: The p.T431A variant (also known as c.1291A>G), located in coding exon 9 of the FH gene, results from an A to G substitution at nucleotide position 1291. The threonine at codon 431 is replaced by alanine, an amino acid with similar properties. This amino acid position is conserved. In addition, the in silico prediction for this alteration is inconclusive. Based on the available evidence, the clinical significance of this variant remains unclear.

Labcorp Genetics (formerly Invitae), Labcorp
Classification: Uncertain significance. Last evaluated: 2024-05-01. Review status: criteria provided, single submitter. Criteria: Invitae Variant Classification Sherloc (09022015). Collection method: clinical testing. Allele origin: germline.
Comment: This sequence change replaces threonine, which is neutral and polar, with alanine, which is neutral and non-polar, at codon 431 of the FH protein (p.Thr431Ala). This variant is present in population databases (no rsID available, gnomAD 0.01%). This variant has not been reported in the literature in individuals affected with FH-related conditions. ClinVar contains an entry for this variant (Variation ID: 963162). Advanced modeling of protein sequence and biophysical properties (such as structural, functional, and spatial information, amino acid conservation, physicochemical variation, residue mobility, and thermodynamic stability) performed at Invitae indicates that this missense variant is not expected to disrupt FH protein function with a negative predictive value of 95%. In summary, the available evidence is currently insufficient to determine the role of this variant in disease. Therefore, it has been classified as a Variant of Uncertain Significance.

GeneDx
Classification: Uncertain significance. Last evaluated: 2023-07-12. Review status: criteria provided, single submitter. Criteria: GeneDx Variant Classification Process June 2021. Collection method: clinical testing. Allele origin: germline. Affected: yes.
Comment: Not observed at significant frequency in large population cohorts (gnomAD); In silico analysis supports that this missense variant has a deleterious effect on protein structure/function; Has not been previously published as pathogenic or benign to our knowledge